The following is an entry in ClinVar:

NM_000245.4(MET):c.581A>G (p.Asn194Ser)

Gene: MET (MET proto-oncogene, receptor tyrosine kinase; plus strand). Cytogenetic location: 7q31.2.
Variant type: single nucleotide variant.
Coding change: c.581A>G on transcript NM_000245.4 (MANE Select); coding-DNA position 581, A replaced by G.
Protein change: p.Asn194Ser; replaces asparagine 194 with serine.
Molecular consequence: missense variant. On other transcripts: intron variant (1).
Genome position (GRCh38, 1-based): chr7:116,699,665, A>G. VCF-style: chr7-116699665-A-G. GRCh37 (hg19) VCF-style: chr7-116339719-A-G.
Other names: c.581A>G, p.Asn194Ser (NM_001127500.3, NM_001324401.3); c.-91+27088A>G (NM_001324402.2); c.581A>G (NM_001127500.1); short protein forms N194S.
Identifiers: ClinVar variation 1438765 (VCV001438765.10), dbSNP rs370170168, ClinGen allele CA368969390.

ClinVar aggregate classification (germline): Conflicting classifications of pathogenicity. Review status: criteria provided, conflicting classifications (1 of 4 stars). 2 submissions from 2 submitters: Uncertain significance (1); Likely benign (1). Last evaluated 2026-06-02.

Conditions:
Renal cell carcinoma. Identifiers: Orphanet 217071, MedGen C0007134, MeSH D002292, MONDO:0005086, HP:0005584.
Hereditary cancer-predisposing syndrome. Also called: Tumor predisposition; Neoplastic Syndromes, Hereditary; Hereditary Cancer Syndrome; Hereditary neoplastic syndrome. Identifiers: Orphanet 140162, MedGen C0027672, MeSH D009386, MONDO:0015356.

Submissions (2):

Ambry Genetics
Classification: Likely benign for Hereditary cancer-predisposing syndrome. Last evaluated: 2026-06-02. Review status: criteria provided, single submitter. Criteria: Ambry Variant Classification Scheme 2023. Collection method: clinical testing. Allele origin: germline.

Labcorp Genetics (formerly Invitae), Labcorp
Classification: Uncertain significance for Renal cell carcinoma. Last evaluated: 2021-03-22. Review status: criteria provided, single submitter. Criteria: Invitae Variant Classification Sherloc (09022015). Collection method: clinical testing. Allele origin: germline.
Comment: In summary, the available evidence is currently insufficient to determine the role of this variant in disease. Therefore, it has been classified as a Variant of Uncertain Significance. Algorithms developed to predict the effect of missense changes on protein structure and function (SIFT, PolyPhen-2, Align-GVGD) all suggest that this variant is likely to be tolerated, but these predictions have not been confirmed by published functional studies and their clinical significance is uncertain. This variant has not been reported in the literature in individuals with MET-related conditions. This variant is not present in population databases (ExAC no frequency). This sequence change replaces asparagine with serine at codon 194 of the MET protein (p.Asn194Ser). The asparagine residue is moderately conserved and there is a small physicochemical difference between asparagine and serine.